The following is an entry in ClinVar:

ClinVar aggregate classification (germline): Conflicting classifications of pathogenicity. Review status: criteria provided, conflicting classifications (1 of 4 stars). 2 submissions from 1 submitter: Uncertain significance (1); Likely benign (1). Last evaluated 2018-01-13.

Conditions:
Mitochondrial complex I deficiency, nuclear type 1. Also called: NADH-COENZYME Q REDUCTASE DEFICIENCY; MITOCHONDRIAL NADH DEHYDROGENASE COMPONENT OF COMPLEX I, DEFICIENCY OF. Identifiers: MedGen C6022305, MONDO:0100224, OMIM 252010.
Leigh syndrome (NULS). Also called: Leigh Disease; Subacute necrotizing encephalopathy; Necrotizing encephalopathy infantile subacute of Leigh; LEIGH SYNDROME, NUCLEAR; Leigh's syndrome; Leigh's necrotizing encephalopathy. Identifiers: Orphanet 506, MedGen C2931891, MONDO:0009723, OMIM 256000.

Allele frequency attached by ClinVar (database versions not stated): gnomAD 0.00023 and 0.00046; TOPMed 0.00052; gnomAD exomes 0.00077; 1000 Genomes Project 30x 0.00281; 1000 Genomes Project 0.00300.
gnomAD v4.1: 1,106 of 1,497,272 alleles (0.074%); highest among the groups gnomAD compares: South Asian, 1.1%; 16 homozygotes.

Submissions (2):

Illumina Laboratory Services, Illumina
Classification: Uncertain significance for Mitochondrial complex I deficiency, nuclear type 1. Last evaluated: 2018-01-13. Review status: criteria provided, single submitter. Criteria: ICSL Variant Classification Criteria 13 December 2019. Collection method: clinical testing. Allele origin: germline.

Illumina Laboratory Services, Illumina
Classification: Likely benign for Leigh syndrome. Last evaluated: 2018-01-13. Review status: criteria provided, single submitter. Criteria: ICSL Variant Classification Criteria 13 December 2019. Collection method: clinical testing. Allele origin: germline.
Comment: This variant was observed in the ICSL laboratory as part of a predisposition screen in an ostensibly healthy population. It had not been previously curated by ICSL or reported in the Human Gene Mutation Database (HGMD: prior to June 1st, 2018), and was therefore a candidate for classification through an automated scoring system. Utilizing variant allele frequency, disease prevalence and penetrance estimates, and inheritance mode, an automated score was calculated to assess if this variant is too frequent to cause the disease. Based on the score and internal cut-off values, a variant classified as likely benign is not then subjected to further curation. The score for this variant resulted in a classification of likely benign for this disease.

NM_004544.4(NDUFA10):c.*183C>T

Gene: NDUFA10 (NADH:ubiquinone oxidoreductase subunit A10; minus strand). Cytogenetic location: 2q37.3.
Variant type: single nucleotide variant.
Coding change: c.*183C>T on transcript NM_004544.4 (MANE Select); 183 bases downstream of the stop codon, C replaced by T.
Molecular consequence: 3 prime UTR variant. On other transcripts: non-coding transcript variant (3).
Genome position (GRCh38, 1-based): chr2:239,960,935, G>A on the plus strand (C>T on the coding strand, the complement: NDUFA10 is on the minus strand). VCF-style: chr2-239960935-G-A. GRCh37 (hg19) VCF-style: chr2-240900352-G-A.
Other names: c.*188C>T (NM_001322020.2).
Identifiers: ClinVar variation 895993 (VCV000895993.4), dbSNP rs112660586, ClinGen allele CA68048980.